The following is an entry in ClinVar:

NM_182914.3(SYNE2):c.18653T>C (p.Met6218Thr)

Gene: SYNE2 (spectrin repeat containing nuclear envelope protein 2; plus strand). Cytogenetic location: 14q23.2.
Variant type: single nucleotide variant.
Coding change: c.18653T>C on transcript NM_182914.3 (MANE Select); coding-DNA position 18653, T replaced by C.
Protein change: p.Met6218Thr; replaces methionine 6218 with threonine.
Molecular consequence: missense variant.
Genome position (GRCh38, 1-based): chr14:64,210,054, T>C. VCF-style: chr14-64210054-T-C. GRCh37 (hg19) VCF-style: chr14-64676772-T-C.
Other names: c.18653T>C, p.Met6218Thr (NM_015180.6); short protein forms M6218T.
Identifiers: ClinVar variation 2981162 (VCV002981162.3), dbSNP rs746188962, ClinGen allele CA7224163.

ClinVar aggregate classification (germline): Uncertain significance (1 of 4 stars; one submission).

Conditions:
Emery-Dreifuss muscular dystrophy 5, autosomal dominant (EDMD5). Also called: EMERY-DREIFUSS MUSCULAR DYSTROPHY 5. Identifiers: Orphanet 261, MedGen C2751805, MONDO:0013072, OMIM 612999.

Allele frequency attached by ClinVar (database versions not stated): ExAC 0.00001; gnomAD 0.00002; gnomAD exomes 0.00002; TOPMed 0.00003.
gnomAD v4.1: 31 of 1,614,002 alleles (0.0019%); highest among the groups gnomAD compares: Non-Finnish European, 0.0025%; no homozygotes.

Submission:

Labcorp Genetics (formerly Invitae), Labcorp
Classification: Uncertain significance for Emery-Dreifuss muscular dystrophy 5, autosomal dominant. Last evaluated: 2023-03-10. Review status: criteria provided, single submitter. Criteria: Invitae Variant Classification Sherloc (09022015). Collection method: clinical testing. Allele origin: germline.
Comment: In summary, the available evidence is currently insufficient to determine the role of this variant in disease. Therefore, it has been classified as a Variant of Uncertain Significance. An algorithm developed to predict the effect of missense changes on protein structure and function (PolyPhen-2) suggests that this variant is likely to be tolerated. This variant has not been reported in the literature in individuals affected with SYNE2-related conditions. This variant is present in population databases (rs746188962, gnomAD 0.0009%). This sequence change replaces methionine, which is neutral and non-polar, with threonine, which is neutral and polar, at codon 6218 of the SYNE2 protein (p.Met6218Thr).